The following is an entry in ClinVar:

ClinVar aggregate classification (germline): Uncertain significance (1 of 4 stars; one submission).

gnomAD v4.1: 22 of 1,613,990 alleles (0.0014%); highest among the groups gnomAD compares: South Asian, 0.0033%; no homozygotes.

Submission:

Labcorp Genetics (formerly Invitae), Labcorp
Classification: Uncertain significance. Last evaluated: 2025-06-05. Review status: criteria provided, single submitter. Criteria: Invitae Variant Classification Sherloc (09022015). Collection method: clinical testing. Allele origin: germline.
Comment: This sequence change replaces proline, which is neutral and non-polar, with leucine, which is neutral and non-polar, at codon 318 of the DIP2C protein (p.Pro318Leu). The frequency data for this variant in the population databases is considered unreliable, as metrics indicate poor data quality at this position in the gnomAD database. This variant has not been reported in the literature in individuals affected with DIP2C-related conditions. ClinVar contains an entry for this variant (Variation ID: 3608455). An algorithm developed to predict the effect of missense changes on protein structure and function (PolyPhen-2) suggests that this variant is likely to be disruptive. In summary, the available evidence is currently insufficient to determine the role of this variant in disease. Therefore, it has been classified as a Variant of Uncertain Significance.

NM_014974.3(DIP2C):c.953C>T (p.Pro318Leu)

Gene: DIP2C (DIP2 acetate--CoA ligase C (putative); minus strand). Cytogenetic location: 10p15.3.
Variant type: single nucleotide variant.
Coding change: c.953C>T on transcript NM_014974.3 (MANE Select); coding-DNA position 953, C replaced by T.
Protein change: p.Pro318Leu; replaces proline 318 with leucine.
Molecular consequence: missense variant.
Genome position (GRCh38, 1-based): chr10:414,017, G>A on the plus strand (C>T on the coding strand, the complement: DIP2C is on the minus strand). VCF-style: chr10-414017-G-A. GRCh37 (hg19) VCF-style: chr10-459957-G-A.
Other names: short protein forms P318L.
Identifiers: ClinVar variation 3608455 (VCV003608455.2).